The following is an entry in ClinVar:

ClinVar aggregate classification (germline): Benign (1 of 4 stars; one submission).

Conditions:
Leigh syndrome (NULS). Also called: Leigh's necrotizing encephalopathy; Leigh's disease; Leigh Syndrome (mtDNA deletion); Leigh Disease; Subacute necrotizing encephalopathy; Necrotizing encephalopathy infantile subacute of Leigh. Identifiers: Orphanet 506, MedGen C2931891, MONDO:0009723, OMIM 256000.

Submission:

Wong Mito Lab, Molecular and Human Genetics, Baylor College of Medicine
Classification: Benign for Leigh syndrome. Last evaluated: 2019-10-17. Review status: criteria provided, single submitter. Criteria: Modified ACMG Guidelines (Unpublished). Collection method: clinical testing. Allele origin: germline.
Comment: The NC_012920.1:m.6285G>A (YP_003024028.1:p.Val128Ile) variant in MTCO1 gene is interpretated to be a Benign variant based on the modified ACMG guidelines (unpublished). This variant meets the following evidence codes: BS1, BS2, BP4

NC_012920.1(MT-CO1):m.6285G>A

Gene: MT-CO1 (mitochondrially encoded cytochrome c oxidase I; plus strand).
Variant type: single nucleotide variant.
Genome position: chrM-6285-G-A.
Identifiers: ClinVar variation 692635 (VCV000692635.1), dbSNP rs878947044, ClinGen allele CA337097366.